The following is an entry in ClinVar:

ClinVar aggregate classification (germline): Uncertain significance (1 of 4 stars; one submission).

gnomAD v4.1: 1 of 1,613,844 alleles (0.000062%); highest among the groups gnomAD compares: African/African-American, 0.0013%; no homozygotes.

Submission:

GeneDx
Classification: Uncertain significance. Last evaluated: 2026-01-30. Review status: criteria provided, single submitter. Criteria: GeneDx Variant Classification Process June 2021. Collection method: clinical testing. Allele origin: germline.
Comment: Not observed at significant frequency in large population cohorts (gnomAD); In silico analysis supports that this missense variant has a deleterious effect on protein structure/function; Has not been previously published as pathogenic or benign to our knowledge

NM_001378452.1(ITPR1):c.7598A>G (p.Glu2533Gly)

Genes: ITPR1 (inositol 1,4,5-trisphosphate receptor type 1; plus strand), LOC126806590 (MED14-independent group 3 enhancer GRCh37_chr3:4855759-4856958; plus strand). Cytogenetic location: 3p26.1.
Variant type: single nucleotide variant.
Coding change: c.7598A>G on transcript NM_001378452.1 (MANE Select); coding-DNA position 7598, A replaced by G.
Protein change: p.Glu2533Gly; replaces glutamic acid 2533 with glycine.
Molecular consequence: missense variant.
Genome position (GRCh38, 1-based): chr3:4,814,459, A>G. VCF-style: chr3-4814459-A-G. GRCh37 (hg19) VCF-style: chr3-4856143-A-G.
Other names: c.7454A>G, p.Glu2485Gly (NM_001099952.4); c.7553A>G, p.Glu2518Gly (NM_001168272.2); c.7409A>G, p.Glu2470Gly (NM_002222.7); short protein forms E2470G, E2485G, E2518G, E2533G.
Identifiers: ClinVar variation 4975400 (VCV004975400.1).
Genomic context (GRCh38, chr3:4,814,459, plus strand): 5'-TGTTGTTACTTGCCGTGTTCACAGAGCTGGTCCCTGCAGAAGAGACGGAACAGGATAAAG[A>G]GCACACATGTGAGACGCTGCTGATGTGCATTGTCACTGTGCTGAGTCACGGGCTGCGGAG-3'
Protein context (NP_001365381.1, residues 2523-2543): VPAEETEQDK[Glu2533Gly]HTCETLLMCI